The following is an entry in ClinVar:

NM_001374828.1(ARID1B):c.4573G>A (p.Glu1525Lys)

Gene: ARID1B (AT-rich interaction domain 1B; plus strand). Cytogenetic location: 6q25.3.
Variant type: single nucleotide variant.
Coding change: c.4573G>A on transcript NM_001374828.1 (MANE Select); coding-DNA position 4573, G replaced by A.
Protein change: p.Glu1525Lys; replaces glutamic acid 1525 with lysine.
Molecular consequence: missense variant.
Genome position (GRCh38, 1-based): chr6:157,200,798, G>A. VCF-style: chr6-157200798-G-A. GRCh37 (hg19) VCF-style: chr6-157521932-G-A.
Other names: c.4204G>A (NM_020732.3); c.2074G>A, p.Glu692Lys (NM_001363725.2); c.4453G>A, p.Glu1485Lys (NM_001371656.1, NM_001374820.1); c.4414G>A, p.Glu1472Lys (NM_017519.3); short protein forms E1472K, E1485K, E1525K, E692K.
Identifiers: ClinVar variation 1325571 (VCV001325571.1), dbSNP rs1554235555, ClinGen allele CA366240962.
Genomic context (GRCh38, chr6:157,200,798, plus strand): 5'-CCCCCAGCCAAGCGCCACGAGGGCGACATGTACAACATGCAGTACAGCAGCCAGCAGCAG[G>A]AGATGTACAACCAGTATGGAGGCTCCTACTCGGGCCCGGACCGCAGGCCCATCCAGGGCC-3'
Protein context (NP_001361757.1, residues 1515-1535): YNMQYSSQQQ[Glu1525Lys]MYNQYGGSYS

ClinVar aggregate classification (germline): Uncertain significance (1 of 4 stars; one submission).

Conditions:
Coffin-Siris syndrome 1 (CSS1). Also called: Mental retardation, autosomal dominant 12; ARID1B-Related Coffin-Siris Syndrome. Identifiers: Orphanet 1465, MedGen C3281201, MONDO:0007617, OMIM 135900. Disease mechanism: gain of function.

Submission:

New York Genome Center
Classification: Uncertain significance for Coffin-Siris syndrome 1. Last evaluated: 2020-04-18. Review status: criteria provided, single submitter. Criteria: NYGC Assertion Criteria 2020. Collection method: clinical testing. Allele origin: inherited. Observed: 1 heterozygote. Study: CSER-NYCKidSeq.
Comment: The p.Glu1402Lys variant identified in ARID1B has not been reported in affected individuals in the literature and is absent from gnomAD database, indicating that it is an extremely rare allele in the general population. The variant affects a moderately conserved residue and in silico prediction tools show conflicting interpretations about pathogenicity of this variant. Based on the current evidence, the p.Glu1402Lys variant in the ARID1B gene is assessed as a variant of uncertain significance.